The following is an entry in ClinVar:

NM_001555.5(IGSF1):c.1718-24T>G

Gene: IGSF1 (immunoglobulin superfamily member 1; minus strand). Cytogenetic location: Xq26.1.
Variant type: single nucleotide variant.
Coding change: c.1718-24T>G on transcript NM_001555.5 (MANE Select); 24 bases into the intron before coding-DNA position 1718, T replaced by G.
Molecular consequence: intron variant.
Genome position (GRCh38, 1-based): chrX:131,279,199, A>C on the plus strand (T>G on the coding strand, the complement: IGSF1 is on the minus strand). VCF-style: chrX-131279199-A-C. GRCh37 (hg19) VCF-style: chrX-130413173-A-C.
Other names: c.1691-24T>G (NM_001170962.2); c.1718-9T>G (NM_001170961.2).
Identifiers: ClinVar variation 376852 (VCV000376852.3), dbSNP rs757277380, ClinGen allele CA10517928.

ClinVar aggregate classification (germline): Uncertain significance (1 of 4 stars; one submission).

Allele frequency attached by ClinVar (database versions not stated): TOPMed 0.00003; 1000 Genomes Project 30x 0.00021; gnomAD exomes 0.00003; gnomAD 0.00001 and 0.00002; ExAC 0.00002; 1000 Genomes Project 0.00053.
gnomAD v4.1: 20 of 1,208,446 alleles (0.0017%); highest among the groups gnomAD compares: Middle Eastern, 0.046%; no homozygotes.

Submission:

Center for Pediatric Genomic Medicine, Children's Mercy Hospital and Clinics
Classification: Uncertain significance. Last evaluated: 2016-10-12. Review status: criteria provided, single submitter. Criteria: ACMG Guidelines, 2015. Collection method: clinical testing. Allele origin: germline.
ClinVar note: Converted during submission from Uncertain Significance to Uncertain significance.